The following is an entry in ClinVar:

NM_006231.4(POLE):c.247G>A (p.Asp83Asn)

Gene: POLE (DNA polymerase epsilon, catalytic subunit; minus strand). Cytogenetic location: 12q24.33.
Variant type: single nucleotide variant.
Coding change: c.247G>A on transcript NM_006231.4 (MANE Select); coding-DNA position 247, G replaced by A.
Protein change: p.Asp83Asn; replaces aspartic acid 83 with asparagine.
Molecular consequence: missense variant.
Genome position (GRCh38, 1-based): chr12:132,680,645, C>T on the plus strand (G>A on the coding strand, the complement: POLE is on the minus strand). VCF-style: chr12-132680645-C-T. GRCh37 (hg19) VCF-style: chr12-133257231-C-T.
Other names: short protein forms D83N.
Identifiers: ClinVar variation 3308346 (VCV003308346.1).

ClinVar aggregate classification (germline): Uncertain significance (1 of 4 stars; one submission).

Conditions:
Hereditary cancer-predisposing syndrome. Also called: Tumor predisposition; Hereditary Cancer Syndrome; Hereditary neoplastic syndrome; Neoplastic Syndromes, Hereditary. Identifiers: Orphanet 140162, MedGen C0027672, MeSH D009386, MONDO:0015356.

gnomAD v4.1: 1 of 1,614,082 alleles (0.000062%); highest among the groups gnomAD compares: Non-Finnish European, 0.000085%; no homozygotes.

Submission:

Ambry Genetics
Classification: Uncertain significance for Hereditary cancer-predisposing syndrome. Last evaluated: 2024-06-08. Review status: criteria provided, single submitter. Criteria: Ambry Variant Classification Scheme 2023. Collection method: clinical testing. Allele origin: germline.
Comment: The p.D83N variant (also known as c.247G>A), located in coding exon 3 of the POLE gene, results from a G to A substitution at nucleotide position 247. The aspartic acid at codon 83 is replaced by asparagine, an amino acid with highly similar properties. This amino acid position is conserved. In addition, this alteration is predicted to be tolerated by in silico analysis. Based on the available evidence, the clinical significance of this variant remains unclear.